The following is an entry in ClinVar:

NM_007294.4(BRCA1):c.777_782del (p.Glu259_Tyr261delinsAsp)

Gene: BRCA1 (BRCA1 DNA repair associated; minus strand). Cytogenetic location: 17q21.31.
Variant type: Deletion.
Coding change: c.777_782del on transcript NM_007294.4 (MANE Select); coding-DNA positions 777 to 782, 6 bases deleted (AAAGTA; older notation c.777_782delAAAGTA).
Protein change: p.Glu259_Tyr261delinsAsp.
Molecular consequence: inframe indel. On other transcripts: intron variant (13), 5 prime UTR variant (2).
Genome position (GRCh38, 1-based): chr17:43,094,749-43,094,754, TACTTT deleted on the plus strand (AAAGTA on the coding strand, the reverse complement: BRCA1 is on the minus strand); deleting any 6 consecutive bases within chr17:43,094,749-43,094,755 gives the same sequence; the c. name uses the placement nearest the transcript's 3' end. VCF-style (leftmost placement, unchanged base first): chr17-43094748-ATACTTT-A. GRCh37 (hg19) VCF-style: chr17-41246765-ATACTTT-A.
Other names: c.777_782del, p.Glu259_Tyr261delinsAsp (NM_001407640.1, NM_001407641.1, NM_001407642.1 and 53 more transcripts); c.774_779del, p.Glu258_Tyr260delinsAsp (NM_001407644.1, NM_001407645.1, NM_001407860.1 and 38 more transcripts); c.768_773del, p.Glu256_Tyr258delinsAsp (NM_001407646.1, NM_001407647.1, NM_001408408.1); c.654_659del, p.Glu218_Tyr220delinsAsp (NM_001407648.1, NM_001407664.1, NM_001407665.1 and 34 more transcripts); c.651_656del, p.Glu217_Tyr219delinsAsp (NM_001407649.1, NM_001407670.1, NM_001407671.1 and 20 more transcripts); c.699_704del, p.Glu233_Tyr235delinsAsp (NM_001407653.1, NM_001407654.1, NM_001407655.1 and 9 more transcripts); c.696_701del, p.Glu232_Tyr234delinsAsp (NM_001407659.1, NM_001407660.1, NM_001407661.1 and 3 more transcripts); c.636_641del, p.Glu212_Tyr214delinsAsp (NM_001407692.1, NM_001407694.1, NM_001407695.1 and 43 more transcripts); and 21 more.
Identifiers: ClinVar variation 4867695 (VCV004867695.1).

ClinVar aggregate classification (germline): Uncertain significance (1 of 4 stars; one submission).

Conditions:
Hereditary cancer-predisposing syndrome. Also called: Neoplastic Syndromes, Hereditary; Tumor predisposition; Hereditary Cancer Syndrome; Hereditary neoplastic syndrome. Identifiers: Orphanet 140162, MedGen C0027672, MeSH D009386, MONDO:0015356.

Submission:

Ambry Genetics
Classification: Uncertain significance for Hereditary cancer-predisposing syndrome. Last evaluated: 2026-03-24. Review status: criteria provided, single submitter. Criteria: Ambry Variant Classification Scheme 2023. Collection method: clinical testing. Allele origin: germline.
Comment: The c.777_782delAAAGTA variant (also known as p.E259_Y261delinsD) is located in coding exon 9 of the BRCA1 gene, results from an in-frame AAAGTA deletion at nucleotide positions 777 to 782. This results in the substitution of an aspartic acid residue for glutamic acid, lysine, and tyrosine residues at codons 259 to 261. This amino acid region is well conserved in available vertebrate species. In addition, the in silico prediction for this variant is inconclusive (Choi Y et al. PLoS ONE. 2012; 7(10):e46688). Based on the available evidence, the clinical significance of this variant remains unclear.